The following is an entry in ClinVar:

NM_138967.4(SCAMP5):c.136+1G>A

Gene: SCAMP5 (secretory carrier membrane protein 5; plus strand). Cytogenetic location: 15q24.2.
Variant type: single nucleotide variant.
Coding change: c.136+1G>A on transcript NM_138967.4 (MANE Select); the canonical splice donor site of the intron after coding-DNA position 136, G replaced by A.
Molecular consequence: splice donor variant.
Genome position (GRCh38, 1-based): chr15:75,012,806, G>A. VCF-style: chr15-75012806-G-A. GRCh37 (hg19) VCF-style: chr15-75305147-G-A.
Other names: c.136+1G>A (NM_001178111.2, NM_001178112.2).
Identifiers: ClinVar variation 3390588 (VCV003390588.2).

ClinVar aggregate classification (germline): Uncertain significance (1 of 4 stars; one submission).

Submission:

GeneDx
Classification: Uncertain significance. Last evaluated: 2026-03-22. Review status: criteria provided, single submitter. Criteria: GeneDx Variant Classification Process June 2021. Collection method: clinical testing. Allele origin: germline.
Comment: Has not been previously published as pathogenic or benign to our knowledge; Not observed at significant frequency in large population cohorts (gnomAD); Canonical splice site variant in a gene for which loss of function is not an established mechanism of disease.